The following is an entry in ClinVar:

ClinVar aggregate classification (germline): Uncertain significance. Review status: criteria provided, multiple submitters, no conflicts (2 of 4 stars). 2 submissions from 2 submitters: Uncertain significance (2). Last evaluated 2025-08-27.

Conditions:
Inborn genetic diseases. Identifiers: MedGen C0950123, MeSH D030342.
Lafora disease. Also called: Epilepsy progressive myoclonic 2; Progressive Myoclonus Epilepsy, Lafora Type. Identifiers: Orphanet 501, MedGen C0751783, MONDO:0009697.

Submissions (2):

Ambry Genetics
Classification: Uncertain significance for Inborn genetic diseases. Last evaluated: 2025-08-27. Review status: criteria provided, single submitter. Criteria: Ambry Variant Classification Scheme 2023. Collection method: clinical testing. Allele origin: germline.

Labcorp Genetics (formerly Invitae), Labcorp
Classification: Uncertain significance for Lafora disease. Last evaluated: 2020-09-07. Review status: criteria provided, single submitter. Criteria: Invitae Variant Classification Sherloc (09022015). Collection method: clinical testing. Allele origin: germline.
Comment: This sequence change replaces histidine with proline at codon 145 of the NHLRC1 protein (p.His145Pro). The histidine residue is highly conserved and there is a moderate physicochemical difference between histidine and proline. This variant is not present in population databases (ExAC no frequency). This variant has not been reported in the literature in individuals with NHLRC1-related conditions. Algorithms developed to predict the effect of missense changes on protein structure and function (SIFT, PolyPhen-2, Align-GVGD) all suggest that this variant is likely to be disruptive, but these predictions have not been confirmed by published functional studies and their clinical significance is uncertain. In summary, the available evidence is currently insufficient to determine the role of this variant in disease. Therefore, it has been classified as a Variant of Uncertain Significance.

NM_198586.3(NHLRC1):c.434A>C (p.His145Pro)

Gene: NHLRC1 (NHL repeat containing E3 ubiquitin protein ligase 1; minus strand). Cytogenetic location: 6p22.3.
Variant type: single nucleotide variant.
Coding change: c.434A>C on transcript NM_198586.3 (MANE Select); coding-DNA position 434, A replaced by C.
Protein change: p.His145Pro; replaces histidine 145 with proline.
Molecular consequence: missense variant.
Genome position (GRCh38, 1-based): chr6:18,122,173, T>G on the plus strand (A>C on the coding strand, the complement: NHLRC1 is on the minus strand). VCF-style: chr6-18122173-T-G. GRCh37 (hg19) VCF-style: chr6-18122404-T-G.
Other names: c.434A>C (NM_198586.2); short protein forms H145P.
Identifiers: ClinVar variation 1016372 (VCV001016372.10), dbSNP rs1783748075, ClinGen allele CA362828054.